The following is an entry in ClinVar:

NM_002637.4(PHKA1):c.1283G>T (p.Arg428Leu)

Gene: PHKA1 (phosphorylase kinase regulatory subunit alpha 1; minus strand). Cytogenetic location: Xq13.1.
Variant type: single nucleotide variant.
Coding change: c.1283G>T on transcript NM_002637.4 (MANE Select); coding-DNA position 1283, G replaced by T.
Protein change: p.Arg428Leu; replaces arginine 428 with leucine.
Molecular consequence: missense variant.
Genome position (GRCh38, 1-based): chrX:72,650,431, C>A on the plus strand (G>T on the coding strand, the complement: PHKA1 is on the minus strand). VCF-style: chrX-72650431-C-A. GRCh37 (hg19) VCF-style: chrX-71870281-C-A.
Other names: c.1283G>T, p.Arg428Leu (NM_001440787.1, NM_001440788.1, NM_001122670.2 and 2 more transcripts); short protein forms R428L.
Identifiers: ClinVar variation 4781000 (VCV004781000.1).

ClinVar aggregate classification (germline): Uncertain significance (1 of 4 stars; one submission).

Conditions:
Glycogen storage disease IXd (GSD9D). Also called: Muscle Phosphorylase Kinase Deficiency; GSD IXd. Identifiers: Orphanet 715, MedGen C1845151, MONDO:0010362, OMIM 300559.

Submission:

Labcorp Genetics (formerly Invitae), Labcorp
Classification: Uncertain significance for Glycogen storage disease IXd. Last evaluated: 2025-06-27. Review status: criteria provided, single submitter. Criteria: Invitae Variant Classification Sherloc (09022015). Collection method: clinical testing. Allele origin: germline.
Comment: This sequence change replaces arginine, which is basic and polar, with leucine, which is neutral and non-polar, at codon 428 of the PHKA1 protein (p.Arg428Leu). This variant is not present in population databases (gnomAD no frequency). This variant has not been reported in the literature in individuals affected with PHKA1-related conditions. Invitae Evidence Modeling of protein sequence and biophysical properties (such as structural, functional, and spatial information, amino acid conservation, physicochemical variation, residue mobility, and thermodynamic stability) indicates that this missense variant is expected to disrupt PHKA1 protein function with a positive predictive value of 80%. In summary, the available evidence is currently insufficient to determine the role of this variant in disease. Therefore, it has been classified as a Variant of Uncertain Significance.